The following is an entry in ClinVar:

NM_001018115.3(FANCD2):c.2270A>G (p.Asp757Gly)

Genes: FANCD2 (FA complementation group D2; plus strand), LOC107303338 (3p25 FANCD2 Alu-mediated recombination region; plus strand). Cytogenetic location: 3p25.3.
Variant type: single nucleotide variant.
Coding change: c.2270A>G on transcript NM_001018115.3 (MANE Select); coding-DNA position 2270, A replaced by G.
Protein change: p.Asp757Gly; replaces aspartic acid 757 with glycine.
Molecular consequence: missense variant.
Genome position (GRCh38, 1-based): chr3:10,065,864, A>G. VCF-style: chr3-10065864-A-G. GRCh37 (hg19) VCF-style: chr3-10107548-A-G.
Other names: c.2270A>G, p.Asp757Gly (NM_001319984.2, NM_001374254.1, NM_033084.6); c.2159A>G, p.Asp720Gly (NM_001374253.1); short protein forms D720G, D757G.
Identifiers: ClinVar variation 1517101 (VCV001517101.3), dbSNP rs779060030, ClinGen allele CA2250029.
Genomic context (GRCh38, chr3:10,065,864, plus strand): 5'-CAACCTCCAGGTTTTATTGGCTTGCACTAAAGGTAGTTGGAAATGTTTGTTCTCTCTCAG[A>G]TTGTCCTATATTCCTAACTGACCTGGAGCCTGGAGAGAAGTTGGAGTCCATGTCTGCTAA-3'
Protein context (NP_001018125.1, residues 747-767): GNLEEIDGLL[Asp757Gly]CPIFLTDLEP

ClinVar aggregate classification (germline): Uncertain significance (1 of 4 stars; one submission).

Conditions:
Fanconi anemia (FA). Also called: Fanconi's anemia. Identifiers: Orphanet 84, MedGen C0015625, MeSH D005199, MONDO:0019391.

Allele frequency attached by ClinVar (database versions not stated): gnomAD exomes below 0.00001; ExAC 0.00001; gnomAD 0.00001; TOPMed 0.00001.
gnomAD v4.1: 3 of 1,592,096 alleles (0.00019%); highest among the groups gnomAD compares: Non-Finnish European, 0.00026%; no homozygotes.

Submission:

Labcorp Genetics (formerly Invitae), Labcorp
Classification: Uncertain significance for Fanconi anemia. Last evaluated: 2021-08-11. Review status: criteria provided, single submitter. Criteria: Invitae Variant Classification Sherloc (09022015). Collection method: clinical testing. Allele origin: germline.
Comment: This sequence change replaces aspartic acid with glycine at codon 757 of the FANCD2 protein (p.Asp757Gly). The aspartic acid residue is weakly conserved and there is a moderate physicochemical difference between aspartic acid and glycine. This variant is present in population databases (rs779060030, ExAC 0.002%). This variant has not been reported in the literature in individuals affected with FANCD2-related conditions. Algorithms developed to predict the effect of missense changes on protein structure and function (SIFT, PolyPhen-2, Align-GVGD) all suggest that this variant is likely to be tolerated. In summary, the available evidence is currently insufficient to determine the role of this variant in disease. Therefore, it has been classified as a Variant of Uncertain Significance.